The following is an entry in ClinVar:

NM_022124.6(CDH23):c.2242G>A (p.Ala748Thr)

Gene: CDH23 (cadherin related 23; plus strand). Cytogenetic location: 10q22.1.
Variant type: single nucleotide variant.
Coding change: c.2242G>A on transcript NM_022124.6 (MANE Select); coding-DNA position 2242, G replaced by A.
Protein change: p.Ala748Thr; replaces alanine 748 with threonine.
Molecular consequence: missense variant.
Genome position (GRCh38, 1-based): chr10:71,694,212, G>A. VCF-style: chr10-71694212-G-A. GRCh37 (hg19) VCF-style: chr10-73453969-G-A.
Other names: c.2242G>A (NM_022124.5); c.2242G>A, p.Ala748Thr (NM_001171930.2, NM_001171931.2); short protein forms A748T.
Identifiers: ClinVar variation 2145437 (VCV002145437.4), dbSNP rs752103709, ClinGen allele CA5544137.

ClinVar aggregate classification (germline): Uncertain significance. Review status: criteria provided, multiple submitters, no conflicts (2 of 4 stars). 2 submissions from 2 submitters: Uncertain significance (2). Last evaluated 2026-10-21.

Allele frequency attached by ClinVar (database versions not stated): ExAC 0.00002.
gnomAD v4.1: 23 of 1,613,620 alleles (0.0014%); highest among the groups gnomAD compares: Admixed American, 0.0067%; no homozygotes.

Submissions (2):

GeneDx
Classification: Uncertain significance. Last evaluated: 2026-10-21. Review status: criteria provided, single submitter. Criteria: GeneDx Variant Classification Process June 2021. Collection method: clinical testing. Allele origin: germline.
Comment: Reported as a heterozygous variant in a patient from a cohort of patients with blindness; specific clinical details or segregation data were not specified (PMID: 32483926); In silico analysis supports that this missense variant has a deleterious effect on protein structure/function; This variant is associated with the following publications: (PMID: 32483926)

Labcorp Genetics (formerly Invitae), Labcorp
Classification: Uncertain significance. Last evaluated: 2022-08-22. Review status: criteria provided, single submitter. Criteria: Invitae Variant Classification Sherloc (09022015). Collection method: clinical testing. Allele origin: germline.
Comment: This sequence change replaces alanine, which is neutral and non-polar, with threonine, which is neutral and polar, at codon 748 of the CDH23 protein (p.Ala748Thr). This variant is present in population databases (rs752103709, gnomAD 0.01%). This variant has not been reported in the literature in individuals affected with CDH23-related conditions. Algorithms developed to predict the effect of missense changes on protein structure and function are either unavailable or do not agree on the potential impact of this missense change (SIFT: "Tolerated"; PolyPhen-2: "Not Available"; Align-GVGD: "Class C0"). In summary, the available evidence is currently insufficient to determine the role of this variant in disease. Therefore, it has been classified as a Variant of Uncertain Significance.